The following is an entry in ClinVar:

NM_004656.4(BAP1):c.2040del (p.Met681fs)

Gene: BAP1 (BRCA1 associated deubiquitinase 1; minus strand). Cytogenetic location: 3p21.1.
Variant type: Deletion.
Coding change: c.2040del on transcript NM_004656.4 (MANE Select); coding-DNA position 2040, one base deleted (C; older notation c.2040delC).
Protein change: p.Met681fs; shifts the reading frame from methionine 681.
Molecular consequence: frameshift variant.
Genome position (GRCh38, 1-based): chr3:52,402,618, G deleted on the plus strand (C on the coding strand, the reverse complement: BAP1 is on the minus strand); the first of 2 consecutive G bases (chr3:52,402,618-52,402,619); deleting either gives the same sequence. VCF-style (leftmost placement, unchanged base first): chr3-52402617-TG-T. GRCh37 (hg19) VCF-style: chr3-52436633-TG-T.
Other names: c.1986del, p.Met663fs (NM_001410772.1); short protein forms M681fs, M663fs.
Identifiers: ClinVar variation 3728492 (VCV003728492.2).

ClinVar aggregate classification (germline): Pathogenic (1 of 4 stars; one submission).

Conditions:
BAP1-related tumor predisposition syndrome (TPDS1). Also called: Tumor susceptibility linked to germline BAP1 mutations; COMMON Syndrome; TUMOR PREDISPOSITION SYNDROME 1; BAP1 tumor predisposition syndrome. Identifiers: Orphanet 289539, MedGen C3280492, MONDO:0013692, OMIM 614327.

Submission:

Labcorp Genetics (formerly Invitae), Labcorp
Classification: Pathogenic for BAP1-related tumor predisposition syndrome. Last evaluated: 2025-01-05. Review status: criteria provided, single submitter. Criteria: Invitae Variant Classification Sherloc (09022015). Collection method: clinical testing. Allele origin: germline.
Comment: This sequence change creates a premature translational stop signal (p.Met681Cysfs*11) in the BAP1 gene. While this is not anticipated to result in nonsense mediated decay, it is expected to disrupt the last 49 amino acid(s) of the BAP1 protein. This variant is not present in population databases (gnomAD no frequency). This variant has not been reported in the literature in individuals affected with BAP1-related conditions. This variant disrupts a region of the BAP1 protein in which other variant(s) (p.Gln684*) have been determined to be pathogenic (PMID: 18757409, 21874000, 24243779). This suggests that this is a clinically significant region of the protein, and that variants that disrupt it are likely to be disease-causing. For these reasons, this variant has been classified as Pathogenic.

Literature cited by the submitters: PubMed 18757409; PubMed 21874000; PubMed 24243779.